The following is an entry in ClinVar:

ClinVar aggregate classification (germline): Conflicting classifications of pathogenicity. Review status: criteria provided, conflicting classifications (1 of 4 stars). 3 submissions from 3 submitters: Uncertain significance (2); Likely benign (1). Last evaluated 2024-10-22.

Conditions:
Hereditary cancer-predisposing syndrome. Also called: Neoplastic Syndromes, Hereditary; Tumor predisposition; Hereditary Cancer Syndrome; Hereditary neoplastic syndrome. Identifiers: Orphanet 140162, MedGen C0027672, MeSH D009386, MONDO:0015356.
Hereditary breast ovarian cancer syndrome. Also called: Hereditary breast and ovarian cancer syndrome; Hereditary breast and ovarian cancer; Hereditary breast and ovarian cancer syndrome (HBOC); Breast and ovarian cancer; Hereditary breast and/or ovarian cancer syndrome; BRCA1- and BRCA2-Associated Hereditary Breast and Ovarian Cancer. Identifiers: Orphanet 145, MedGen C0677776, MeSH D061325, MONDO:0003582. Disease mechanism: loss of function.

Allele frequency attached by ClinVar (database versions not stated): gnomAD exomes below 0.00001.
gnomAD v4.1: 1 of 1,614,096 alleles (0.000062%); highest among the groups gnomAD compares: Non-Finnish European, 0.000085%; no homozygotes.

Submissions (3):

Labcorp Genetics (formerly Invitae), Labcorp
Classification: Uncertain significance for Hereditary breast ovarian cancer syndrome. Last evaluated: 2024-10-22. Review status: criteria provided, single submitter. Criteria: Invitae Variant Classification Sherloc (09022015). Collection method: clinical testing. Allele origin: germline.
Comment: This sequence change replaces alanine, which is neutral and non-polar, with glycine, which is neutral and non-polar, at codon 2756 of the BRCA2 protein (p.Ala2756Gly). This variant is not present in population databases (gnomAD no frequency). This variant has not been reported in the literature in individuals affected with BRCA2-related conditions. ClinVar contains an entry for this variant (Variation ID: 483004). Invitae Evidence Modeling incorporating data from in vitro experimental studies (PMID: 33609447) indicates that this missense variant is not expected to disrupt BRCA2 function with a negative predictive value of 95%. In summary, the available evidence is currently insufficient to determine the role of this variant in disease. Therefore, it has been classified as a Variant of Uncertain Significance.

Ambry Genetics
Classification: Likely benign for Hereditary cancer-predisposing syndrome. Last evaluated: 2020-02-25. Review status: criteria provided, single submitter. Criteria: Ambry Variant Classification Scheme 2023. Collection method: clinical testing. Allele origin: germline.

GeneDx
Classification: Uncertain significance. Last evaluated: 2015-04-23. Review status: criteria provided, single submitter. Criteria: GeneDx Variant Classification Process June 2021. Collection method: clinical testing. Allele origin: germline. Affected: yes.
Comment: Not observed in large population cohorts (Lek et al., 2016); In silico analysis supports that this missense variant does not alter protein structure/function

Literature cited by the submitters: PubMed 33609447 (cited by Labcorp Genetics (formerly Invitae), Labcorp).

NM_000059.4(BRCA2):c.8267C>G (p.Ala2756Gly)

Gene: BRCA2 (BRCA2 DNA repair associated; plus strand). Cytogenetic location: 13q13.1.
Variant type: single nucleotide variant.
Coding change: c.8267C>G on transcript NM_000059.4 (MANE Select); coding-DNA position 8267, C replaced by G.
Protein change: p.Ala2756Gly; replaces alanine 2756 with glycine.
Molecular consequence: missense variant.
Genome position (GRCh38, 1-based): chr13:32,363,469, C>G. VCF-style: chr13-32363469-C-G. GRCh37 (hg19) VCF-style: chr13-32937606-C-G.
Other names: short protein forms A2756G.
Identifiers: ClinVar variation 483004 (VCV000483004.11), dbSNP rs1555287069, ClinGen allele CA387750021.